The following is an entry in ClinVar:

ClinVar aggregate classification (germline): Uncertain significance (1 of 4 stars; one submission).

Conditions:
Microcephalic osteodysplastic primordial dwarfism type II (MOPD2). Also called: Microcephalic osteodysplastic primordial dwarfism with tooth abnormalities; MOPD II; OSTEODYSPLASTIC PRIMORDIAL DWARFISM, TYPE II. Identifiers: Orphanet 2637, MedGen C0432246, MONDO:0008872, OMIM 210720.

Allele frequency attached by ClinVar (database versions not stated): gnomAD exomes below 0.00001 and 0.00001; ExAC 0.00001; gnomAD 0.00002; TOPMed 0.00002.
gnomAD v4.1: 14 of 1,612,044 alleles (0.00087%); highest among the groups gnomAD compares: African/African-American, 0.004%; no homozygotes.

Submission:

ARUP Laboratories, Molecular Genetics and Genomics, ARUP Laboratories
Classification: Uncertain significance for Microcephalic osteodysplastic primordial dwarfism type II. Last evaluated: 2020-05-15. Review status: criteria provided, single submitter. Criteria: ARUP Molecular Germline Variant Investigation Process. Collection method: clinical testing. Allele origin: germline.
Comment: The PCNT c.8257C>T; p.Arg2753Cys variant (rs772107252), to our knowledge, is not reported in the medical literature or gene specific databases. This variant is only observed on two alleles in the Genome Aggregation Database, indicating it is not a common polymorphism. The arginine at codon 2753 is moderately conserved, and computational analyses (SIFT, PolyPhen-2) predict that this variant is deleterious. However, only truncating variants in PCNT have been associated with disease (Rauch 2008, Willems 2010). Due to limited information, the clinical significance of the p.Arg2753Cys variant is uncertain at this time. References: Rauch A et al. Mutations in the pericentrin (PCNT) gene cause primordial dwarfism. Science. 2008 Feb 8;319(5864):816-9. Willems M et al. Molecular analysis of pericentrin gene (PCNT) in a series of 24 Seckel/microcephalic osteodysplastic primordial dwarfism type II (MOPD II) families. J Med Genet. 2010 Dec;47(12):797-802.

NM_006031.6(PCNT):c.8257C>T (p.Arg2753Cys)

Gene: PCNT (pericentrin; plus strand). Cytogenetic location: 21q22.3.
Variant type: single nucleotide variant.
Coding change: c.8257C>T on transcript NM_006031.6 (MANE Select); coding-DNA position 8257, C replaced by T.
Protein change: p.Arg2753Cys; replaces arginine 2753 with cysteine.
Molecular consequence: missense variant.
Genome position (GRCh38, 1-based): chr21:46,431,721, C>T. VCF-style: chr21-46431721-C-T. GRCh37 (hg19) VCF-style: chr21-47851635-C-T.
Other names: c.7903C>T, p.Arg2635Cys (NM_001315529.2); short protein forms R2635C, R2753C.
Identifiers: ClinVar variation 993534 (VCV000993534.8), dbSNP rs772107252, ClinGen allele CA10080922.